The following is an entry in ClinVar:

NM_020964.3(EPG5):c.3614del (p.Leu1205fs)

Gene: EPG5 (ectopic P-granules 5 autophagy tethering factor; minus strand). Cytogenetic location: 18q21.1.
Variant type: Deletion.
Coding change: c.3614del on transcript NM_020964.3 (MANE Select); coding-DNA position 3614, one base deleted (T; older notation c.3614delT).
Protein change: p.Leu1205fs; shifts the reading frame from leucine 1205.
Molecular consequence: frameshift variant.
Genome position (GRCh38, 1-based): chr18:45,915,590, A deleted on the plus strand (T on the coding strand, the reverse complement: EPG5 is on the minus strand). VCF-style (leftmost placement, unchanged base first): chr18-45915589-CA-C. GRCh37 (hg19) VCF-style: chr18-43495554-CA-C.
Other names: c.3614del, p.Leu1205fs (LRG_1234t1); short protein forms L1205fs.
Identifiers: ClinVar variation 570260 (VCV000570260.7), dbSNP rs1568150793, ClinGen allele CA891844502.

ClinVar aggregate classification (germline): Pathogenic (1 of 4 stars; one submission).

Conditions:
Vici syndrome (VICIS). Identifiers: Orphanet 1493, MedGen C1855772, MONDO:0009452, OMIM 242840.

Submission:

Labcorp Genetics (formerly Invitae), Labcorp
Classification: Pathogenic for Vici syndrome. Last evaluated: 2017-11-17. Review status: criteria provided, single submitter. Criteria: Invitae Variant Classification Sherloc (09022015). Collection method: clinical testing. Allele origin: germline.
Comment: This sequence change creates a premature translational stop signal (p.Leu1205Argfs*6) in the EPG5 gene. It is expected to result in an absent or disrupted protein product. For these reasons, this variant has been classified as Pathogenic. Loss-of-function variants in EPG5 are known to be pathogenic (PMID: 23222957, 23674064). This variant has not been reported in the literature in individuals with EPG5-related disease. This variant is not present in population databases (ExAC no frequency).

Literature cited by the submitters: PubMed 23222957; PubMed 23674064.